The following is an entry in ClinVar:

ClinVar aggregate classification (germline): Uncertain significance (1 of 4 stars; one submission).

Conditions:
Inborn genetic diseases. Identifiers: MedGen C0950123, MeSH D030342.

Submission:

Ambry Genetics
Classification: Uncertain significance for Inborn genetic diseases. Last evaluated: 2025-02-21. Review status: criteria provided, single submitter. Criteria: Ambry Variant Classification Scheme 2023. Collection method: clinical testing. Allele origin: germline.
Comment: The p.Q1440H variant (also known as c.4320G>C), located in coding exon 43 of the FANCA gene, results from a G to C substitution at nucleotide position 4320. The glutamine at codon 1440 is replaced by histidine, an amino acid with highly similar properties. This amino acid position is conserved. In addition, this alteration is predicted to be tolerated by in silico analysis. Based on the available evidence, the clinical significance of this variant remains unclear.

NM_000135.4(FANCA):c.4320G>C (p.Gln1440His)

Genes: ZNF276 (zinc finger protein 276; plus strand), FANCA (FA complementation group A; minus strand). Cytogenetic location: 16q24.3.
Variant type: single nucleotide variant.
Coding change: c.4320G>C on transcript NM_000135.4 (MANE Select); coding-DNA position 4320, G replaced by C.
Protein change: p.Gln1440His; replaces glutamine 1440 with histidine.
Molecular consequence: missense variant. On other transcripts: 3 prime UTR variant (3), non-coding transcript variant (4).
Genome position (GRCh38, 1-based): chr16:89,738,649, C>G on the plus strand (G>C on the coding strand, the complement: FANCA is on the minus strand). VCF-style: chr16-89738649-C-G. GRCh37 (hg19) VCF-style: chr16-89805057-C-G.
Other names: c.*49G>C (NM_001286167.3); c.*403C>G (NM_001113525.2, NM_152287.4); short protein forms Q1440H.
Identifiers: ClinVar variation 3848256 (VCV003848256.1).